The following is an entry in ClinVar:

ClinVar aggregate classification (germline): Uncertain significance (0 of 4 stars; one submission).

Conditions:
PHIP-related disorder. Also called: PHIP-related condition; PHIP-related disorders.

Submission:

PreventionGenetics, part of Exact Sciences
Classification: Uncertain significance for PHIP-related condition. Last evaluated: 2024-05-28. Review status: no assertion criteria provided. Collection method: clinical testing. Allele origin: germline.
Comment: The PHIP c.4667A>G variant is predicted to result in the amino acid substitution p.Asn1556Ser. To our knowledge, this variant has not been reported in the literature or in a large population database, indicating this variant is rare. At this time, the clinical significance of this variant is uncertain due to the absence of conclusive functional and genetic evidence.

NM_017934.7(PHIP):c.4667A>G (p.Asn1556Ser)

Genes: IRAK1BP1 (interleukin 1 receptor associated kinase 1 binding protein 1; plus strand), PHIP (PHIP subunit of CUL4-Ring ligase complex; minus strand). Cytogenetic location: 6q14.1.
Variant type: single nucleotide variant.
Coding change: c.4667A>G on transcript NM_017934.7 (MANE Select); coding-DNA position 4667, A replaced by G.
Protein change: p.Asn1556Ser; replaces asparagine 1556 with serine.
Molecular consequence: missense variant.
Genome position (GRCh38, 1-based): chr6:78,945,461, T>C on the plus strand (A>G on the coding strand, the complement: PHIP is on the minus strand). VCF-style: chr6-78945461-T-C. GRCh37 (hg19) VCF-style: chr6-79655178-T-C.
Other names: short protein forms N1556S.
Identifiers: ClinVar variation 3347950 (VCV003347950.1).
Genomic context (GRCh38, chr6:78,945,461, plus strand): 5'-TTTGCAGAATTATTCCTAGTGCCATGACTAAAACTGGATTGACCAGGACTGGAAAGAGTA[T>C]TCAAAGCTTTGGAATGTTTCACAGAATTCTCTAGTACTAAAACATACAAACAAAATTTAA-3'
Protein context (NP_060404.4, residues 1546-1566): ENSVKHSKAL[Asn1556Ser]TLSSPGQSSF